The following is an entry in ClinVar:

ClinVar aggregate classification (germline): Uncertain significance (1 of 4 stars; one submission).

Conditions:
Tuberous sclerosis 1 (TSC1). Identifiers: Orphanet 805, MedGen C1854465, MONDO:0008612, OMIM 191100.

Submission:

Labcorp Genetics (formerly Invitae), Labcorp
Classification: Uncertain significance for Tuberous sclerosis 1. Last evaluated: 2017-12-20. Review status: criteria provided, single submitter. Criteria: Invitae Variant Classification Sherloc (09022015). Collection method: clinical testing. Allele origin: germline.
Comment: In summary, the available evidence is currently insufficient to determine the role of this variant in disease. Therefore, it has been classified as a Variant of Uncertain Significance. Algorithms developed to predict the effect of missense changes on protein structure and function do not agree on the potential impact of this missense change (SIFT: "Deleterious"; PolyPhen-2: "Possibly Damaging"; Align-GVGD: "Class C0"). This variant has not been reported in the literature in individuals with TSC1-related disease. This variant is not present in population databases (ExAC no frequency). This sequence change replaces histidine with glutamine at codon 699 of the TSC1 protein (p.His699Gln). The histidine residue is highly conserved and there is a small physicochemical difference between histidine and glutamine.

NM_000368.5(TSC1):c.2097C>A (p.His699Gln)

Gene: TSC1 (TSC complex subunit 1; minus strand). Cytogenetic location: 9q34.13.
Variant type: single nucleotide variant.
Coding change: c.2097C>A on transcript NM_000368.5 (MANE Select); coding-DNA position 2097, C replaced by A.
Protein change: p.His699Gln; replaces histidine 699 with glutamine.
Molecular consequence: missense variant.
Genome position (GRCh38, 1-based): chr9:132,903,762, G>T on the plus strand (C>A on the coding strand, the complement: TSC1 is on the minus strand). VCF-style: chr9-132903762-G-T. GRCh37 (hg19) VCF-style: chr9-135779149-G-T.
Other names: c.2094C>A, p.His698Gln (NM_001162426.2); c.1944C>A, p.His648Gln (NM_001162427.2); c.1734C>A, p.His578Gln (NM_001362177.2); short protein forms H699Q, H698Q, H578Q, H648Q.
Identifiers: ClinVar variation 534437 (VCV000534437.8), dbSNP rs1554815319, ClinGen allele CA375361062.
Genomic context (GRCh38, chr9:132,903,762, plus strand): 5'-GAGCCGCCTGTTCCGGAGGGCATGCTGCTGCCTCTTAAAACGCTCATAGAGTAACTGGTT[G>T]TGCAGTAAAAGCAACTGGTCTCGGAGGGTGCGGATCTCATCTGAAGGAGGAGAGCCTGAT-3'
Protein context (NP_000359.1, residues 689-709): RTLRDQLLLL[His699Gln]NQLLYERFKR